The following is an entry in ClinVar:

ClinVar aggregate classification (germline): Uncertain significance (1 of 4 stars; one submission).

Conditions:
Emery-Dreifuss muscular dystrophy 5, autosomal dominant (EDMD5). Also called: EMERY-DREIFUSS MUSCULAR DYSTROPHY 5. Identifiers: Orphanet 261, MedGen C2751805, MONDO:0013072, OMIM 612999.

gnomAD v4.1: 4 of 1,614,236 alleles (0.00025%); highest among the groups gnomAD compares: African/African-American, 0.004%; no homozygotes.

Submission:

Labcorp Genetics (formerly Invitae), Labcorp
Classification: Uncertain significance for Emery-Dreifuss muscular dystrophy 5, autosomal dominant. Last evaluated: 2025-09-28. Review status: criteria provided, single submitter. Criteria: Invitae Variant Classification Sherloc (09022015). Collection method: clinical testing. Allele origin: germline.
Comment: This sequence change replaces glutamine, which is neutral and polar, with arginine, which is basic and polar, at codon 3765 of the SYNE2 protein (p.Gln3765Arg). This variant is not present in population databases (gnomAD no frequency). This variant has not been reported in the literature in individuals affected with SYNE2-related conditions. An algorithm developed to predict the effect of missense changes on protein structure and function outputs the following: PolyPhen-2: "Benign". The arginine amino acid residue is found in multiple mammalian species, which suggests that this missense change does not adversely affect protein function. In summary, the available evidence is currently insufficient to determine the role of this variant in disease. Therefore, it has been classified as a Variant of Uncertain Significance.

NM_182914.3(SYNE2):c.11294A>G (p.Gln3765Arg)

Gene: SYNE2 (spectrin repeat containing nuclear envelope protein 2; plus strand). Cytogenetic location: 14q23.2.
Variant type: single nucleotide variant.
Coding change: c.11294A>G on transcript NM_182914.3 (MANE Select); coding-DNA position 11294, A replaced by G.
Protein change: p.Gln3765Arg; replaces glutamine 3765 with arginine.
Molecular consequence: missense variant.
Genome position (GRCh38, 1-based): chr14:64,080,586, A>G. VCF-style: chr14-64080586-A-G. GRCh37 (hg19) VCF-style: chr14-64547304-A-G.
Other names: c.11294A>G, p.Gln3765Arg (NM_015180.6); short protein forms Q3765R.
Identifiers: ClinVar variation 4751027 (VCV004751027.1).